The following is an entry in ClinVar:

NM_000069.3(CACNA1S):c.1936G>T (p.Val646Phe)

Gene: CACNA1S (calcium voltage-gated channel subunit alpha1 S; minus strand). Cytogenetic location: 1q32.1.
Variant type: single nucleotide variant.
Coding change: c.1936G>T on transcript NM_000069.3 (MANE Select); coding-DNA position 1936, G replaced by T.
Protein change: p.Val646Phe; replaces valine 646 with phenylalanine.
Molecular consequence: missense variant.
Genome position (GRCh38, 1-based): chr1:201,075,507, C>A on the plus strand (G>T on the coding strand, the complement: CACNA1S is on the minus strand). VCF-style: chr1-201075507-C-A. GRCh37 (hg19) VCF-style: chr1-201044635-C-A.
Other names: short protein forms V646F.
Identifiers: ClinVar variation 2930319 (VCV002930319.4), dbSNP rs139860737, ClinGen allele CA078674.

ClinVar aggregate classification (germline): Uncertain significance. Review status: criteria provided, multiple submitters, no conflicts (2 of 4 stars). 2 submissions from 2 submitters: Uncertain significance (2). Last evaluated 2025-07-03.

Conditions:
Malignant hyperthermia, susceptibility to, 5 (MHS5). Also called: CACNA1S-Related Malignant Hyperthermia Susceptibility. Identifiers: Orphanet 423, MedGen C1866077, MONDO:0011163, OMIM 601887.
Hypokalemic periodic paralysis, type 1. Also called: Hypokalemic Periodic Paralysis Type 1 (AD); HypoPP. Identifiers: Orphanet 681, MedGen C3714580, MONDO:0042979, OMIM 170400.

gnomAD v4.1: 17 of 1,612,734 alleles (0.0011%); highest among the groups gnomAD compares: Admixed American, 0.0017%; no homozygotes.

Submissions (2):

Color Diagnostics, LLC DBA Color Health
Classification: Uncertain significance for Malignant hyperthermia, susceptibility to, 5. Last evaluated: 2025-07-03. Review status: criteria provided, single submitter. Criteria: ACMG Guidelines, 2015. Collection method: clinical testing. Allele origin: germline.
Comment: This missense variant replaces valine with phenylalanine at codon 646 of the CACNA1S protein. Computational prediction suggests that this variant may have deleterious impact on protein structure and function. To our knowledge, functional studies have not been reported for this variant. This variant has not been reported in individuals affected with CACNA1S-related disorders in the literature. This variant has been identified in 8/251480 chromosomes in the general population by the Genome Aggregation Database (gnomAD). The available evidence is insufficient to determine the role of this variant in disease conclusively. Therefore, this variant is classified as a Variant of Uncertain Significance.

Labcorp Genetics (formerly Invitae), Labcorp
Classification: Uncertain significance for Hypokalemic periodic paralysis, type 1; Malignant hyperthermia, susceptibility to, 5. Last evaluated: 2023-09-01. Review status: criteria provided, single submitter. Criteria: Invitae Variant Classification Sherloc (09022015). Collection method: clinical testing. Allele origin: germline.
Comment: In summary, the available evidence is currently insufficient to determine the role of this variant in disease. Therefore, it has been classified as a Variant of Uncertain Significance. Advanced modeling of protein sequence and biophysical properties (such as structural, functional, and spatial information, amino acid conservation, physicochemical variation, residue mobility, and thermodynamic stability) performed at Invitae indicates that this missense variant is not expected to disrupt CACNA1S protein function. This variant has not been reported in the literature in individuals affected with CACNA1S-related conditions. This variant is present in population databases (rs139860737, gnomAD 0.004%). This sequence change replaces valine, which is neutral and non-polar, with phenylalanine, which is neutral and non-polar, at codon 646 of the CACNA1S protein (p.Val646Phe).